The following is an entry in ClinVar:

NC_000004.11:g.(?_5746911)_(5758109_?)del

Gene: EVC (EvC ciliary complex subunit 1; plus strand). Cytogenetic location: 4p16.2.
Variant type: Deletion.
Identifiers: ClinVar variation 3246641 (VCV003246641.1).

ClinVar aggregate classification (germline): Pathogenic (1 of 4 stars; one submission).

Conditions:
Ellis-van Creveld syndrome (EVC). Also called: MESOECTODERMAL DYSPLASIA; Chondroectodermal dysplasia; EVC-Related Ellis-van Creveld Syndrome; EVC2-Related Ellis-van Creveld Syndrome. Identifiers: Orphanet 289, MedGen C0013903, MONDO:0009162, OMIM 225500.
Curry-Hall syndrome (WAD). Also called: WEYERS ACRODENTAL DYSOSTOSIS. Identifiers: Orphanet 952, MedGen C0457013, MONDO:0008673, OMIM 193530.

Submission:

Labcorp Genetics (formerly Invitae), Labcorp
Classification: Pathogenic for Curry-Hall syndrome; Ellis-van Creveld syndrome. Last evaluated: 2023-04-09. Review status: criteria provided, single submitter. Criteria: Invitae Variant Classification Sherloc (09022015). Collection method: clinical testing. Allele origin: unknown.
Comment: This variant disrupts a region of the EVC protein in which other variant(s) (p.Ser307Pro) have been determined to be pathogenic (PMID: 10700184, 29321360). This suggests that this is a clinically significant region of the protein, and that variants that disrupt it are likely to be disease-causing. For these reasons, this variant has been classified as Pathogenic. This variant has not been reported in the literature in individuals affected with EVC-related conditions. This variant is a gross deletion of the genomic region encompassing exon(s) 7-11 of the EVC gene. This variant would be expected to be in-frame, preserving the integrity of the reading frame.

Literature cited by the submitters: PubMed 10700184; PubMed 29321360.